The following is an entry in ClinVar:

ClinVar aggregate classification (germline): Uncertain significance (1 of 4 stars; one submission).

Conditions:
Hereditary cancer-predisposing syndrome. Also called: Hereditary Cancer Syndrome; Neoplastic Syndromes, Hereditary; Tumor predisposition; Hereditary neoplastic syndrome. Identifiers: Orphanet 140162, MedGen C0027672, MeSH D009386, MONDO:0015356.

Submission:

Ambry Genetics
Classification: Uncertain significance for Hereditary cancer-predisposing syndrome. Last evaluated: 2021-10-29. Review status: criteria provided, single submitter. Criteria: Ambry Variant Classification Scheme 2023. Collection method: clinical testing. Allele origin: germline.
Comment: The p.V1602D variant (also known as c.4805T>A), located in coding exon 37 of the POLE gene, results from a T to A substitution at nucleotide position 4805. The valine at codon 1602 is replaced by aspartic acid, an amino acid with highly dissimilar properties. This amino acid position is conserved. In addition, the in silico prediction for this alteration is inconclusive. Since supporting evidence is limited at this time, the clinical significance of this alteration remains unclear.

NM_006231.4(POLE):c.4805T>A (p.Val1602Asp)

Gene: POLE (DNA polymerase epsilon, catalytic subunit; minus strand). Cytogenetic location: 12q24.33.
Variant type: single nucleotide variant.
Coding change: c.4805T>A on transcript NM_006231.4 (MANE Select); coding-DNA position 4805, T replaced by A.
Protein change: p.Val1602Asp; replaces valine 1602 with aspartic acid.
Molecular consequence: missense variant.
Genome position (GRCh38, 1-based): chr12:132,642,653, A>T on the plus strand (T>A on the coding strand, the complement: POLE is on the minus strand). VCF-style: chr12-132642653-A-T. GRCh37 (hg19) VCF-style: chr12-133219239-A-T.
Other names: short protein forms V1602D.
Identifiers: ClinVar variation 1743225 (VCV001743225.2), dbSNP rs2541886118, ClinGen allele CA387378335.